The following is an entry in ClinVar:

ClinVar aggregate classification (germline): Uncertain significance (1 of 4 stars; one submission).

Submission:

Labcorp Genetics (formerly Invitae), Labcorp
Classification: Uncertain significance. Last evaluated: 2024-12-12. Review status: criteria provided, single submitter. Criteria: Invitae Variant Classification Sherloc (09022015). Collection method: clinical testing. Allele origin: germline.
Comment: This sequence change falls in intron 2 of the SRP72 gene. It does not directly change the encoded amino acid sequence of the SRP72 protein. It affects a nucleotide within the consensus splice site. This variant is not present in population databases (gnomAD no frequency). This variant has not been reported in the literature in individuals affected with SRP72-related conditions. Variants that disrupt the consensus splice site are a relatively common cause of aberrant splicing (PMID: 17576681, 9536098). Algorithms developed to predict the effect of sequence changes on RNA splicing suggest that this variant is not likely to affect RNA splicing. In summary, the available evidence is currently insufficient to determine the role of this variant in disease. Therefore, it has been classified as a Variant of Uncertain Significance.

Literature cited by the submitters: PubMed 17576681; PubMed 9536098.

NM_006947.4(SRP72):c.230+6T>C

Gene: SRP72 (signal recognition particle 72; plus strand). Cytogenetic location: 4q12.
Variant type: single nucleotide variant.
Coding change: c.230+6T>C on transcript NM_006947.4 (MANE Select); 6 bases into the intron after coding-DNA position 230, T replaced by C.
Molecular consequence: intron variant.
Genome position (GRCh38, 1-based): chr4:56,469,779, T>C. VCF-style: chr4-56469779-T-C. GRCh37 (hg19) VCF-style: chr4-57335945-T-C.
Other names: c.230+6T>C (NM_001267722.2).
Identifiers: ClinVar variation 3727095 (VCV003727095.2).